The following is an entry in ClinVar:

ClinVar aggregate classification (germline): Pathogenic (1 of 4 stars; one submission).

Conditions:
Joubert syndrome 21 (JBTS21). Identifiers: MedGen C3810212, MONDO:0014288, OMIM 615636.

Submission:

Labcorp Genetics (formerly Invitae), Labcorp
Classification: Pathogenic for Joubert syndrome 21. Last evaluated: 2022-11-01. Review status: criteria provided, single submitter. Criteria: Invitae Variant Classification Sherloc (09022015). Collection method: clinical testing. Allele origin: germline.
Comment: For these reasons, this variant has been classified as Pathogenic. Algorithms developed to predict the effect of sequence changes on RNA splicing suggest that this variant may disrupt the consensus splice site. This variant has not been reported in the literature in individuals affected with CSPP1-related conditions. This variant is not present in population databases (gnomAD no frequency). This sequence change creates a premature translational stop signal (p.Glu157*) in the CSPP1 gene. It is expected to result in an absent or disrupted protein product. Loss-of-function variants in CSPP1 are known to be pathogenic (PMID: 24360807, 24360808).

Literature cited by the submitters: PubMed 24360807; PubMed 24360808.

NM_001382391.1(CSPP1):c.442G>T (p.Glu148Ter)

Gene: CSPP1 (centrosome and spindle pole associated protein 1; plus strand). Cytogenetic location: 8q13.1.
Variant type: single nucleotide variant.
Coding change: c.442G>T on transcript NM_001382391.1 (MANE Select); coding-DNA position 442, G replaced by T.
Protein change: p.Glu148Ter; replaces glutamic acid 148 with a stop codon.
Molecular consequence: nonsense. On other transcripts: 5 prime UTR variant (1).
Genome position (GRCh38, 1-based): chr8:67,093,600, G>T. VCF-style: chr8-67093600-G-T. GRCh37 (hg19) VCF-style: chr8-68005835-G-T.
Other names: c.-414G>T (NM_001291339.2); c.361G>T, p.Glu121Ter (NM_001363131.2, NM_001363133.2); c.442G>T, p.Glu148Ter (NM_001363132.2); c.550G>T, p.Glu184Ter (NM_001364869.1); c.469G>T, p.Glu157Ter (NM_001364870.1, NM_024790.7); short protein forms E121*, E148*, E157*, E184*.
Identifiers: ClinVar variation 2124326 (VCV002124326.4), dbSNP rs2488603690, ClinGen allele CA371189092.